The following is an entry in ClinVar:

ClinVar aggregate classification (germline): Uncertain significance (1 of 4 stars; one submission).

Submission:

GeneDx
Classification: Uncertain significance. Last evaluated: 2019-01-17. Review status: criteria provided, single submitter. Criteria: GeneDx Variant Classification Process June 2021. Collection method: clinical testing. Allele origin: germline. Affected: yes.
Comment: Not observed in large population cohorts (Lek et al., 2016); In silico analysis, which includes protein predictors and evolutionary conservation, supports a deleterious effect; Has not been previously published as pathogenic or benign to our knowledge

NM_052867.4(NALCN):c.1730T>C (p.Ile577Thr)

Gene: NALCN (sodium leak channel, non-selective; minus strand). Cytogenetic location: 13q33.1.
Variant type: single nucleotide variant.
Coding change: c.1730T>C on transcript NM_052867.4 (MANE Select); coding-DNA position 1730, T replaced by C.
Protein change: p.Ile577Thr; replaces isoleucine 577 with threonine.
Molecular consequence: missense variant.
Genome position (GRCh38, 1-based): chr13:101,191,951, A>G on the plus strand (T>C on the coding strand, the complement: NALCN is on the minus strand). VCF-style: chr13-101191951-A-G. GRCh37 (hg19) VCF-style: chr13-101844302-A-G.
Other names: c.1730T>C, p.Ile577Thr (NM_001350748.2, NM_001350749.2); c.1643T>C, p.Ile548Thr (NM_001350750.2, NM_001350751.2); short protein forms I548T, I577T.
Identifiers: ClinVar variation 1304498 (VCV001304498.2), dbSNP rs2140004721, ClinGen allele CA388703432.